The following is an entry in ClinVar:

ClinVar aggregate classification (germline): Uncertain significance (1 of 4 stars; one submission).

gnomAD v4.1: 1 of 1,611,906 alleles (0.000062%); highest among the groups gnomAD compares: Admixed American, 0.0017%; no homozygotes.

Submission:

GeneDx
Classification: Uncertain significance. Last evaluated: 2026-05-06. Review status: criteria provided, single submitter. Criteria: GeneDx Variant Classification Process June 2021. Collection method: clinical testing. Allele origin: germline.
Comment: Not observed at significant frequency in large population cohorts (gnomAD); In silico analysis supports that this missense variant has a deleterious effect on protein structure/function; Has not been previously published as pathogenic or benign to our knowledge

NM_176787.5(PIGN):c.247T>C (p.Trp83Arg)

Gene: PIGN (phosphatidylinositol glycan anchor biosynthesis class N; minus strand). Cytogenetic location: 18q21.33.
Variant type: single nucleotide variant.
Coding change: c.247T>C on transcript NM_176787.5 (MANE Select); coding-DNA position 247, T replaced by C.
Protein change: p.Trp83Arg; replaces tryptophan 83 with arginine.
Molecular consequence: missense variant.
Genome position (GRCh38, 1-based): chr18:62,157,783, A>G on the plus strand (T>C on the coding strand, the complement: PIGN is on the minus strand). VCF-style: chr18-62157783-A-G. GRCh37 (hg19) VCF-style: chr18-59825016-A-G.
Other names: c.247T>C, p.Trp83Arg (NM_001438904.1, NM_001438905.1, NM_001438910.1 and 2 more transcripts); short protein forms W83R.
Identifiers: ClinVar variation 4528018 (VCV004528018.2).